The following is an entry in ClinVar:

NM_001127178.3(PIGG):c.2232G>A (p.Pro744=)

Gene: PIGG (phosphatidylinositol glycan anchor biosynthesis class G (EMM blood group); plus strand). Cytogenetic location: 4p16.3.
Variant type: single nucleotide variant.
Coding change: c.2232G>A on transcript NM_001127178.3 (MANE Select); coding-DNA position 2232, G replaced by A.
Protein change: p.Pro744=; no amino-acid change (proline 744 retained).
Molecular consequence: synonymous variant. On other transcripts: non-coding transcript variant (10).
Genome position (GRCh38, 1-based): chr4:527,201, G>A. VCF-style: chr4-527201-G-A. GRCh37 (hg19) VCF-style: chr4-520990-G-A.
Other names: c.1965G>A, p.Pro655= (NM_001289051.2, NM_001345986.2); c.1833G>A, p.Pro611= (NM_001289052.2); c.1941G>A, p.Pro647= (NM_001345987.2); c.1203G>A, p.Pro401= (NM_001345988.2); c.699G>A, p.Pro233= (NM_001345990.2, NM_001345991.2); c.1134G>A, p.Pro378= (NM_001345994.2); c.2208G>A, p.Pro736= (NM_017733.5).
Identifiers: ClinVar variation 707200 (VCV000707200.22), dbSNP rs376232301, ClinGen allele CA2793578.

ClinVar aggregate classification (germline): Likely benign. Review status: criteria provided, multiple submitters, no conflicts (2 of 4 stars). 5 submissions from 5 submitters: Likely benign (4). 1 of the submissions does not count toward it. Last evaluated 2026-01-12.

Conditions:
PIGG-related disorder. Also called: PIGG-related condition.
Intellectual disability, autosomal recessive 53 (NEDHSCA). Also called: GLYCOSYLPHOSPHATIDYLINOSITOL BIOSYNTHESIS DEFECT 13; Mental retardation, autosomal recessive 53; NEURODEVELOPMENTAL DISORDER WITH OR WITHOUT HYPOTONIA, SEIZURES, AND CEREBELLAR ATROPHY. Identifiers: Orphanet 488635, MedGen C4310794, MONDO:0014832, OMIM 616917.

Allele frequency attached by ClinVar (database versions not stated): TOPMed 0.00012; ESP Exome Variant Server 0.00015; gnomAD exomes 0.00007; ExAC 0.00011; gnomAD 0.00011.
gnomAD v4.1: 335 of 1,603,620 alleles (0.021%); highest among the groups gnomAD compares: Non-Finnish European, 0.027%; no homozygotes.

Submissions (5):

Labcorp Genetics (formerly Invitae), Labcorp
Classification: Likely benign for Intellectual disability, autosomal recessive 53. Last evaluated: 2026-01-12. Review status: criteria provided, single submitter. Criteria: Invitae Variant Classification Sherloc (09022015). Collection method: clinical testing. Allele origin: germline.

CeGaT Center for Human Genetics Tuebingen
Classification: Likely benign. Last evaluated: 2025-03-01. Review status: criteria provided, single submitter. Criteria: CeGaT Center For Human Genetics Tuebingen Variant Classification Criteria Version 2. Collection method: clinical testing. Allele origin: germline. Affected: yes. Observed: 1 variant allele.
Comment: PIGG: BP4, BP7

Blueprint Genetics
Classification: Likely benign. Last evaluated: 2024-10-18. Review status: criteria provided, single submitter. Criteria: ACMG Guidelines, 2015. Collection method: clinical testing. Allele origin: germline.

Breakthrough Genomics
Classification: Likely benign. Review status: criteria provided, single submitter. Criteria: ACMG Guidelines, 2015. Collection method: not provided. Allele origin: germline. Inheritance: Autosomal recessive inheritance. Affected: yes.

PreventionGenetics, part of Exact Sciences
Classification: Likely benign for PIGG-related condition. Last evaluated: 2020-02-04. Review status: no assertion criteria provided. Collection method: clinical testing. Allele origin: germline. Not counted in ClinVar's aggregate classification.
Comment: This variant is classified as likely benign based on ACMG/AMP sequence variant interpretation guidelines (Richards et al. 2015 PMID: 25741868, with internal and published modifications).